The following is an entry in ClinVar:

NM_001145319.2(PLS1):c.1057_1065del (p.Pro353_Asp355del)

Gene: PLS1 (plastin 1; plus strand). Cytogenetic location: 3q23.
Variant type: Deletion.
Coding change: c.1057_1065del on transcript NM_001145319.2 (MANE Select); coding-DNA positions 1057 to 1065, 9 bases deleted (CCTGCAGAT; older notation c.1057_1065delCCTGCAGAT).
Protein change: p.Pro353_Asp355del.
Molecular consequence: inframe deletion.
Genome position (GRCh38, 1-based): chr3:142,689,693-142,689,701, CCTGCAGAT deleted; deleting any 9 consecutive bases within chr3:142,689,692-142,689,701 gives the same sequence; the c. name uses the placement nearest the transcript's 3' end. VCF-style (leftmost placement, unchanged base first): chr3-142689691-CTCCTGCAGA-C. GRCh37 (hg19) VCF-style: chr3-142408533-CTCCTGCAGA-C.
Other names: c.1057_1065del, p.Pro353_Asp355del (NM_001172312.2, NM_002670.3).
Identifiers: ClinVar variation 1707096 (VCV001707096.3), dbSNP rs2038048239, ClinGen allele CA1407085946.

ClinVar aggregate classification (germline): Uncertain significance (1 of 4 stars; one submission).

Submission:

GeneDx
Classification: Uncertain significance. Last evaluated: 2025-07-03. Review status: criteria provided, single submitter. Criteria: GeneDx Variant Classification Process June 2021. Collection method: clinical testing. Allele origin: germline. Affected: yes.
Comment: Not observed at significant frequency in large population cohorts (gnomAD); In-frame deletion of 3 amino acid(s) in a non-repeat region; In silico analysis supports a deleterious effect on protein structure/function; Has not been previously published as pathogenic or benign to our knowledge